The following is an entry in ClinVar:

NM_001367949.2(FAT3):c.10552G>A (p.Val3518Met)

Gene: FAT3 (FAT atypical cadherin 3; plus strand). Cytogenetic location: 11q14.3.
Variant type: single nucleotide variant.
Coding change: c.10552G>A on transcript NM_001367949.2 (MANE Select); coding-DNA position 10552, G replaced by A.
Protein change: p.Val3518Met; replaces valine 3518 with methionine.
Molecular consequence: missense variant.
Genome position (GRCh38, 1-based): chr11:92,840,745, G>A. VCF-style: chr11-92840745-G-A. GRCh37 (hg19) VCF-style: chr11-92573911-G-A.
Other names: c.10552G>A, p.Val3518Met (NM_001008781.3); c.10552G>A (NM_001008781.2); short protein forms V3518M.
Identifiers: ClinVar variation 2642282 (VCV002642282.25), dbSNP rs10765565, ClinGen allele CA6228118.
Genomic context (GRCh38, chr11:92,840,745, plus strand): 5'-GACCCTCATGGGATCTTGCGGTCGGCTGTGGTCTTCCAGCACACAGAGTCTCTGGAATAC[G>A]TGTTGTGTGTCCAGGTATGGCATCGCACTCTGTCTCCGTCGTGCTGTCTTTCTTTCTCAT-3'
Protein context (NP_001354878.1, residues 3508-3528): VFQHTESLEY[Val3518Met]LCVQAKDSGK

ClinVar aggregate classification (germline): Likely benign. Review status: criteria provided, single submitter (1 of 4 stars). 2 submissions from 2 submitters: Likely benign (1). 1 of the submissions does not count toward it. Last evaluated 2025-02-01.

Conditions:
FAT3-related disorder. Also called: FAT3-related condition.

Allele frequency attached by ClinVar (database versions not stated): 1000 Genomes Project 0.00160; 1000 Genomes Project 30x 0.00219.
gnomAD v4.1: 3,374 of 1,586,654 alleles (0.21%); highest among the groups gnomAD compares: Middle Eastern, 1.1%; 19 homozygotes.

Submissions (2):

CeGaT Center for Human Genetics Tuebingen
Classification: Likely benign. Last evaluated: 2025-02-01. Review status: criteria provided, single submitter. Criteria: CeGaT Center For Human Genetics Tuebingen Variant Classification Criteria Version 2. Collection method: clinical testing. Allele origin: germline. Affected: yes. Observed: 8 variant alleles.
Comment: FAT3: BP4, BS2

PreventionGenetics, part of Exact Sciences
Classification: Likely benign for FAT3-related condition. Last evaluated: 2019-05-11. Review status: no assertion criteria provided. Collection method: clinical testing. Allele origin: germline. Not counted in ClinVar's aggregate classification.
Comment: This variant is classified as likely benign based on ACMG/AMP sequence variant interpretation guidelines (Richards et al. 2015 PMID: 25741868, with internal and published modifications).